The following is an entry in ClinVar:

NC_000017.10:g.(?_80765464)_(80869685_?)del

Genes: TBCD (tubulin folding cofactor D), ZNF750 (zinc finger protein 750; minus strand). Cytogenetic location: 17q25.3.
Variant type: Deletion.
Identifiers: ClinVar variation 3243168 (VCV003243168.1).

ClinVar aggregate classification (germline): Pathogenic (1 of 4 stars; one submission).

Submission:

Labcorp Genetics (formerly Invitae), Labcorp
Classification: Pathogenic. Last evaluated: 2022-12-14. Review status: criteria provided, single submitter. Criteria: Invitae Variant Classification Sherloc (09022015). Collection method: clinical testing. Allele origin: unknown.
Comment: This variant is a gross deletion of the genomic region encompassing exon(s) 11-23 of the TBCD gene. This variant would be expected to be in-frame, preserving the integrity of the reading frame. For these reasons, this variant has been classified as Pathogenic. This variant disrupts a region of the TBCD protein in which other variant(s) (p.Ala475Thr) have been determined to be pathogenic (PMID: 27807845, 28158450, 29769041). This suggests that this is a clinically significant region of the protein, and that variants that disrupt it are likely to be disease-causing. This variant has not been reported in the literature in individuals affected with TBCD-related conditions.

Literature cited by the submitters: PubMed 27807845; PubMed 28158450; PubMed 29769041.